The following is an entry in ClinVar:

NM_018417.6(ADCY10):c.1996A>G (p.Ile666Val)

Gene: ADCY10 (adenylate cyclase 10; minus strand). Cytogenetic location: 1q24.2.
Variant type: single nucleotide variant.
Coding change: c.1996A>G on transcript NM_018417.6 (MANE Select); coding-DNA position 1996, A replaced by G.
Protein change: p.Ile666Val; replaces isoleucine 666 with valine.
Molecular consequence: missense variant.
Genome position (GRCh38, 1-based): chr1:167,856,340, T>C on the plus strand (A>G on the coding strand, the complement: ADCY10 is on the minus strand). VCF-style: chr1-167856340-T-C. GRCh37 (hg19) VCF-style: chr1-167825578-T-C.
Other names: c.1537A>G, p.Ile513Val (NM_001167749.3); c.1720A>G, p.Ile574Val (NM_001297772.2); short protein forms I513V, I666V, I574V.
Identifiers: ClinVar variation 3024006 (VCV003024006.3), dbSNP rs200327717, ClinGen allele CA1227763.

ClinVar aggregate classification (germline): Uncertain significance (1 of 4 stars; one submission).

Allele frequency attached by ClinVar (database versions not stated): TOPMed 0.00001; ExAC 0.00002; gnomAD 0.00002; gnomAD exomes 0.00002; ESP Exome Variant Server 0.00008.
gnomAD v4.1: 34 of 1,613,846 alleles (0.0021%); highest among the groups gnomAD compares: Non-Finnish European, 0.0027%; no homozygotes.

Submission:

Labcorp Genetics (formerly Invitae), Labcorp
Classification: Uncertain significance. Last evaluated: 2023-03-20. Review status: criteria provided, single submitter. Criteria: Invitae Variant Classification Sherloc (09022015). Collection method: clinical testing. Allele origin: germline.
Comment: This sequence change replaces isoleucine, which is neutral and non-polar, with valine, which is neutral and non-polar, at codon 666 of the ADCY10 protein (p.Ile666Val). This variant is present in population databases (rs200327717, gnomAD 0.004%). This variant has not been reported in the literature in individuals affected with ADCY10-related conditions. Algorithms developed to predict the effect of missense changes on protein structure and function output the following: SIFT: "Not Available"; PolyPhen-2: "Benign"; Align-GVGD: "Not Available". The valine amino acid residue is found in multiple mammalian species, which suggests that this missense change does not adversely affect protein function. In summary, the available evidence is currently insufficient to determine the role of this variant in disease. Therefore, it has been classified as a Variant of Uncertain Significance.